The following is an entry in ClinVar:

ClinVar aggregate classification (germline): Uncertain significance (1 of 4 stars; one submission).

Allele frequency attached by ClinVar (database versions not stated): gnomAD exomes below 0.00001.
gnomAD v4.1: 1 of 1,570,492 alleles (0.000064%); highest among the groups gnomAD compares: African/African-American, 0.0014%; no homozygotes.

Submission:

Labcorp Genetics (formerly Invitae), Labcorp
Classification: Uncertain significance. Last evaluated: 2022-06-25. Review status: criteria provided, single submitter. Criteria: Invitae Variant Classification Sherloc (09022015). Collection method: clinical testing. Allele origin: germline.
Comment: In summary, the available evidence is currently insufficient to determine the role of this variant in disease. Therefore, it has been classified as a Variant of Uncertain Significance. Algorithms developed to predict the effect of missense changes on protein structure and function output the following: SIFT: "Tolerated"; PolyPhen-2: "Benign"; Align-GVGD: "Class C0". The valine amino acid residue is found in multiple mammalian species, which suggests that this missense change does not adversely affect protein function. This variant has not been reported in the literature in individuals affected with SLC2A9-related conditions. This variant is not present in population databases (gnomAD no frequency). This sequence change replaces isoleucine, which is neutral and non-polar, with valine, which is neutral and non-polar, at codon 419 of the SLC2A9 protein (p.Ile419Val).

NM_020041.3(SLC2A9):c.1255A>G (p.Ile419Val)

Gene: SLC2A9 (solute carrier family 2 member 9; minus strand). Cytogenetic location: 4p16.1.
Variant type: single nucleotide variant.
Coding change: c.1255A>G on transcript NM_020041.3 (MANE Select); coding-DNA position 1255, A replaced by G.
Protein change: p.Ile419Val; replaces isoleucine 419 with valine.
Molecular consequence: missense variant.
Genome position (GRCh38, 1-based): chr4:9,887,603, T>C on the plus strand (A>G on the coding strand, the complement: SLC2A9 is on the minus strand). VCF-style: chr4-9887603-T-C. GRCh37 (hg19) VCF-style: chr4-9889227-T-C.
Other names: c.1168A>G, p.Ile390Val (NM_001001290.2); short protein forms I390V, I419V.
Identifiers: ClinVar variation 1993438 (VCV001993438.4), dbSNP rs2546255030, ClinGen allele CA356399601.